The following is an entry in ClinVar:

ClinVar aggregate classification (germline): Uncertain significance (1 of 4 stars; one submission).

gnomAD v4.1: 1 of 1,551,696 alleles (0.000064%); highest among the groups gnomAD compares: South Asian, 0.0012%; no homozygotes.

Submission:

Labcorp Genetics (formerly Invitae), Labcorp
Classification: Uncertain significance. Last evaluated: 2020-05-08. Review status: criteria provided, single submitter. Criteria: Invitae Variant Classification Sherloc (09022015). Collection method: clinical testing. Allele origin: germline.
Comment: In summary, the available evidence is currently insufficient to determine the role of this variant in disease. Therefore, it has been classified as a Variant of Uncertain Significance. Algorithms developed to predict the effect of missense changes on protein structure and function output the following: SIFT: "Tolerated"; PolyPhen-2: "Benign"; Align-GVGD: "Class C0". The valine amino acid residue is found in multiple mammalian species, suggesting that this missense change does not adversely affect protein function. These predictions have not been confirmed by published functional studies and their clinical significance is uncertain. This variant has not been reported in the literature in individuals with EYS-related conditions. This variant is not present in population databases (ExAC no frequency). This sequence change replaces isoleucine with valine at codon 2626 of the EYS protein (p.Ile2626Val). The isoleucine residue is highly conserved and there is a small physicochemical difference between isoleucine and valine.

NM_001142800.2(EYS):c.7876A>G (p.Ile2626Val)

Gene: EYS (EGF-like photoreceptor maintenance factor; minus strand). Cytogenetic location: 6q12.
Variant type: single nucleotide variant.
Coding change: c.7876A>G on transcript NM_001142800.2 (MANE Select); coding-DNA position 7876, A replaced by G.
Protein change: p.Ile2626Val; replaces isoleucine 2626 with valine.
Molecular consequence: missense variant.
Genome position (GRCh38, 1-based): chr6:63,778,028, T>C on the plus strand (A>G on the coding strand, the complement: EYS is on the minus strand). VCF-style: chr6-63778028-T-C. GRCh37 (hg19) VCF-style: chr6-64487921-T-C.
Other names: c.7876A>G, p.Ile2626Val (NM_001292009.2); short protein forms I2626V.
Identifiers: ClinVar variation 1062302 (VCV001062302.9), dbSNP rs2149664250, ClinGen allele CA364390449.
Genomic context (GRCh38, chr6:63,778,028, plus strand): 5'-CAACCTGCTACTTTCATTCCTAATAACGTCATACTTACTAAACACTAGTTCCACTCTCTA[T>C]GCATGTCCCACCATTGCCACATTTCATTAAACTGCAGGGAGAAGCATGACACTGGCCAAC-3'
Protein context (NP_001136272.1, residues 2616-2636): LMKCGNGGTC[Ile2626Val]ESGTSVYCNC